The following is an entry in ClinVar:

ClinVar aggregate classification (germline): Uncertain significance (1 of 4 stars; one submission).

Conditions:
Carnitine palmitoyltransferase II deficiency. Also called: Carnitine Palmitoyltransferase 2 Deficiency. Identifiers: Orphanet 157, MedGen C0342790, MONDO:0015515.

Allele frequency attached by ClinVar (database versions not stated): gnomAD exomes below 0.00001; ExAC 0.00001.

Submission:

Labcorp Genetics (formerly Invitae), Labcorp
Classification: Uncertain significance for Carnitine palmitoyltransferase II deficiency. Last evaluated: 2021-09-01. Review status: criteria provided, single submitter. Criteria: Invitae Variant Classification Sherloc (09022015). Collection method: clinical testing. Allele origin: germline.
Comment: This sequence change replaces glycine with tryptophan at codon 567 of the CPT2 protein (p.Gly567Trp). The glycine residue is highly conserved and there is a large physicochemical difference between glycine and tryptophan. This variant is present in population databases (rs758390723, ExAC 0.001%). This variant has not been reported in the literature in individuals affected with CPT2-related conditions. Algorithms developed to predict the effect of missense changes on protein structure and function are either unavailable or do not agree on the potential impact of this missense change (SIFT: "Deleterious"; PolyPhen-2: "Probably Damaging"; Align-GVGD: "Class C0"). In summary, the available evidence is currently insufficient to determine the role of this variant in disease. Therefore, it has been classified as a Variant of Uncertain Significance.

NM_000098.3(CPT2):c.1699G>T (p.Gly567Trp)

Gene: CPT2 (carnitine palmitoyltransferase 2; plus strand). Cytogenetic location: 1p32.3.
Variant type: single nucleotide variant.
Coding change: c.1699G>T on transcript NM_000098.3 (MANE Select); coding-DNA position 1699, G replaced by T.
Protein change: p.Gly567Trp; replaces glycine 567 with tryptophan.
Molecular consequence: missense variant.
Genome position (GRCh38, 1-based): chr1:53,213,317, G>T. VCF-style: chr1-53213317-G-T. GRCh37 (hg19) VCF-style: chr1-53678989-G-T.
Other names: c.1630G>T, p.Gly544Trp (NM_001330589.2); short protein forms G567W, G544W.
Identifiers: ClinVar variation 574910 (VCV000574910.3), dbSNP rs758390723, ClinGen allele CA859264.